The following is an entry in ClinVar:

NM_001876.4(CPT1A):c.-49TGCCGC[5]

Gene: CPT1A (carnitine palmitoyltransferase 1A; minus strand). Cytogenetic location: 11q13.3.
Variant type: Microsatellite.
Coding change: c.-49TGCCGC[5] on transcript NM_001876.4 (MANE Select); five copies in a row of the 6-base unit TGCCGC starting at c.-49; the reference has three copies in a row; two copies, 12 bases duplicated.
Molecular consequence: 5 prime UTR variant.
Genome position (GRCh38, 1-based): chr11:68,841,793-68,841,804, GCGGCAGCGGCA duplicated on the plus strand (TGCCGCTGCCGC on the coding strand, the reverse complement: CPT1A is on the minus strand); duplicating any 12 consecutive bases within chr11:68,841,793-68,841,815 gives the same sequence; the position shown is the placement nearest the transcript's 3' end. VCF-style (leftmost placement, unchanged base first): chr11-68841792-T-TGCGGCAGCGGCA. GRCh37 (hg19) VCF-style: chr11-68609260-T-TGCGGCAGCGGCA.
Other names: c.-49TGCCGC[5] (NM_001031847.3).
Identifiers: ClinVar variation 419947 (VCV000419947.1), dbSNP rs528519032, ClinGen allele CA16619395.

ClinVar aggregate classification (germline): Likely benign (1 of 4 stars; one submission).

Submission:

GeneDx
Classification: Likely benign. Last evaluated: 2017-12-08. Review status: criteria provided, single submitter. Criteria: GeneDx Variant Classification (06012015). Collection method: clinical testing. Allele origin: germline. Affected: yes.
Comment: This variant is considered likely benign or benign based on one or more of the following criteria: it is a conservative change, it occurs at a poorly conserved position in the protein, it is predicted to be benign by multiple in silico algorithms, and/or has population frequency not consistent with disease.